The following is an entry in ClinVar:

NM_000208.4(INSR):c.2034G>A (p.Leu678=)

Gene: INSR (insulin receptor; minus strand). Cytogenetic location: 19p13.2.
Variant type: single nucleotide variant.
Coding change: c.2034G>A on transcript NM_000208.4 (MANE Select); coding-DNA position 2034, G replaced by A.
Protein change: p.Leu678=; no amino-acid change (leucine 678 retained).
Molecular consequence: synonymous variant.
Genome position (GRCh38, 1-based): chr19:7,152,923, C>T on the plus strand (G>A on the coding strand, the complement: INSR is on the minus strand). VCF-style: chr19-7152923-C-T. GRCh37 (hg19) VCF-style: chr19-7152934-C-T.
Other names: c.2034G>A (NM_000208.3); c.2034G>A, p.Leu678= (NM_001079817.3).
Identifiers: ClinVar variation 1980506 (VCV001980506.6), dbSNP rs763399748, ClinGen allele CA9135678.

ClinVar aggregate classification (germline): Likely benign. Review status: criteria provided, single submitter (1 of 4 stars). 2 submissions from 2 submitters: Likely benign (1). 1 of the submissions does not count toward it. Last evaluated 2024-10-15.

Conditions:
INSR-related disorder.

Allele frequency attached by ClinVar (database versions not stated): gnomAD exomes below 0.00001; ExAC 0.00001; gnomAD 0.00002; TOPMed 0.00004.
gnomAD v4.1: 6 of 1,610,834 alleles (0.00037%); highest among the groups gnomAD compares: Admixed American, 0.005%; no homozygotes.

Submissions (2):

Labcorp Genetics (formerly Invitae), Labcorp
Classification: Likely benign. Last evaluated: 2024-10-15. Review status: criteria provided, single submitter. Criteria: Invitae Variant Classification Sherloc (09022015). Collection method: clinical testing. Allele origin: germline.

PreventionGenetics, part of Exact Sciences
Classification: Likely benign for INSR-related condition. Last evaluated: 2023-10-11. Review status: no assertion criteria provided. Collection method: clinical testing. Allele origin: germline. Not counted in ClinVar's aggregate classification.
Comment: This variant is classified as likely benign based on ACMG/AMP sequence variant interpretation guidelines (Richards et al. 2015 PMID: 25741868, with internal and published modifications).